The following is an entry in ClinVar:

NM_022552.5(DNMT3A):c.448+37C>T

Gene: DNMT3A (DNA methyltransferase 3 alpha; minus strand). Cytogenetic location: 2p23.3.
Variant type: single nucleotide variant.
Coding change: c.448+37C>T on transcript NM_022552.5 (MANE Select); 37 bases into the intron after coding-DNA position 448, C replaced by T.
Molecular consequence: intron variant. On other transcripts: missense variant (2).
Genome position (GRCh38, 1-based): chr2:25,282,404, G>A on the plus strand (C>T on the coding strand, the complement: DNMT3A is on the minus strand). VCF-style: chr2-25282404-G-A. GRCh37 (hg19) VCF-style: chr2-25505273-G-A.
Other names: c.485C>T, p.Pro162Leu (NM_001320892.2, NM_175630.1); c.448+37C>T (NM_175629.2); short protein forms P162L.
Identifiers: ClinVar variation 4999509 (VCV004999509.1).

ClinVar aggregate classification (germline): Uncertain significance (1 of 4 stars; one submission).

Conditions:
DNMT3A-related disorder. Also called: DNMT3A-related condition; DNMT3A-related disorders.

Submission:

PreventionGenetics, part of Exact Sciences
Classification: Uncertain significance for DNMT3A-related condition. Last evaluated: 2025-09-25. Review status: criteria provided, single submitter. Criteria: ACMG Guidelines, 2015. Collection method: clinical testing. Allele origin: germline.
Comment: The DNMT3A c.485C>T variant is predicted to result in the amino acid substitution p.Pro162Leu. To our knowledge, this variant has not been reported in the literature or in a large population database (gnomAD), indicating this variant is rare. At this time, the clinical significance of this variant is uncertain due to the absence of conclusive functional and genetic evidence.